The following is an entry in ClinVar:

NM_139058.3(ARX):c.640G>A (p.Ala214Thr)

Gene: ARX (aristaless related homeobox; minus strand). Cytogenetic location: Xp21.3.
Variant type: single nucleotide variant.
Coding change: c.640G>A on transcript NM_139058.3 (MANE Select); coding-DNA position 640, G replaced by A.
Protein change: p.Ala214Thr; replaces alanine 214 with threonine.
Molecular consequence: missense variant.
Genome position (GRCh38, 1-based): chrX:25,013,355, C>T on the plus strand (G>A on the coding strand, the complement: ARX is on the minus strand). VCF-style: chrX-25013355-C-T. GRCh37 (hg19) VCF-style: chrX-25031472-C-T.
Other names: short protein forms A214T.
Identifiers: ClinVar variation 4794058 (VCV004794058.1).
Genomic context (GRCh38, chrX:25,013,355, plus strand): 5'-CGTCCTCCAGCAGCTCCTCCTCGTCGTCCTCGGTGCCGGTGCCACCACCCGCAGCCGGGG[C>T]GCTGCCCGGGCCGCCGGCCACGCCGAGGCGCTCCTCCGGGTGCGTGACGCCCCCCGGGCC-3'
Protein context (NP_620689.1, residues 204-224): RLGVAGGPGS[Ala214Thr]PAAGGGTGTE

ClinVar aggregate classification (germline): Uncertain significance (1 of 4 stars; one submission).

Conditions:
Developmental and epileptic encephalopathy, 1 (DEE1). Also called: INFANTILE SPASM SYNDROME, X-LINKED 1; X-linked infantile spasms; West's syndrome; Tonic spasms with clustering, arrest of psychomotor development and hypsarrhythmia on EEG; X-Linked Infantile Spasm Syndrome; OHTAHARA SYNDROME, X-LINKED. Identifiers: MedGen C3463992, MONDO:0010632, OMIM 308350. Disease mechanism: loss of function.
Intellectual disability, X-linked, with or without seizures, ARX-related. Also called: MENTAL RETARDATION, X-LINKED 29; MENTAL RETARDATION, X-LINKED 32; MENTAL RETARDATION, X-LINKED 33; MENTAL RETARDATION, X-LINKED 38; MENTAL RETARDATION, X-LINKED 43; MENTAL RETARDATION, X-LINKED 76. Identifiers: Orphanet 777, MedGen C0796244, MONDO:0010317, OMIM 300419.

Submission:

Labcorp Genetics (formerly Invitae), Labcorp
Classification: Uncertain significance for Developmental and epileptic encephalopathy, 1; Intellectual disability, X-linked, with or without seizures, ARX-related. Last evaluated: 2025-09-23. Review status: criteria provided, single submitter. Criteria: Invitae Variant Classification Sherloc (09022015). Collection method: clinical testing. Allele origin: germline.
Comment: This sequence change replaces alanine, which is neutral and non-polar, with threonine, which is neutral and polar, at codon 214 of the ARX protein (p.Ala214Thr). This variant is not present in population databases (gnomAD no frequency). This variant has not been reported in the literature in individuals affected with ARX-related conditions. Invitae Evidence Modeling of protein sequence and biophysical properties (such as structural, functional, and spatial information, amino acid conservation, physicochemical variation, residue mobility, and thermodynamic stability) indicates that this missense variant is not expected to disrupt ARX protein function with a negative predictive value of 95%. In summary, the available evidence is currently insufficient to determine the role of this variant in disease. Therefore, it has been classified as a Variant of Uncertain Significance.